The following is an entry in ClinVar:

NM_014874.4(MFN2):c.160G>A (p.Ala54Thr)

Gene: MFN2 (mitofusin 2; plus strand). Cytogenetic location: 1p36.22.
Variant type: single nucleotide variant.
Coding change: c.160G>A on transcript NM_014874.4 (MANE Select); coding-DNA position 160, G replaced by A.
Protein change: p.Ala54Thr; replaces alanine 54 with threonine.
Molecular consequence: missense variant.
Genome position (GRCh38, 1-based): chr1:11,989,328, G>A. VCF-style: chr1-11989328-G-A. GRCh37 (hg19) VCF-style: chr1-12049385-G-A.
Other names: p.A54T:GCC>ACC; c.160G>A, p.Ala54Thr (NM_001127660.2); short protein forms A54T.
Identifiers: ClinVar variation 214657 (VCV000214657.43), dbSNP rs61733203, ClinGen allele CA323379.
Genomic context (GRCh38, chr1:11,989,328, plus strand): 5'-ACTGCCAAGAAGAAGATCAATGGCATTTTTGAGCAGCTGGGGGCCTACATCCAGGAGAGC[G>A]CCACCTTCCTTGAAGGTAAGGGGGCACCGGCTCAGCCAGGCCCGCTCTTACCTGTTTAGA-3'
Protein context (NP_055689.1, residues 44-64): EQLGAYIQES[Ala54Thr]TFLEDTYRNA

ClinVar aggregate classification (germline): Conflicting classifications of pathogenicity. Review status: criteria provided, conflicting classifications (1 of 4 stars). 6 submissions from 6 submitters: Uncertain significance (5); Likely benign (1). Last evaluated 2024-10-27.

Conditions:
Charcot-Marie-Tooth disease type 2. Also called: Charcot-Marie-Tooth type 2. Identifiers: Orphanet 64746, MedGen C0270914, MONDO:0018993.
Inborn genetic diseases. Identifiers: MedGen C0950123, MeSH D030342.

Allele frequency attached by ClinVar (database versions not stated): gnomAD exomes 0.00003 and 0.00008; ExAC 0.00004; TOPMed 0.00006; gnomAD 0.00007 and 0.00008.
gnomAD v4.1: 134 of 1,613,812 alleles (0.0083%); highest among the groups gnomAD compares: Non-Finnish European, 0.01%; no homozygotes.

Submissions (6):

Labcorp Genetics (formerly Invitae), Labcorp
Classification: Uncertain significance for Charcot-Marie-Tooth disease type 2. Last evaluated: 2024-10-27. Review status: criteria provided, single submitter. Criteria: Invitae Variant Classification Sherloc (09022015). Collection method: clinical testing. Allele origin: germline.
Comment: This sequence change replaces alanine, which is neutral and non-polar, with threonine, which is neutral and polar, at codon 54 of the MFN2 protein (p.Ala54Thr). This variant is present in population databases (rs61733203, gnomAD 0.01%). This variant has not been reported in the literature in individuals affected with MFN2-related conditions. ClinVar contains an entry for this variant (Variation ID: 214657). An algorithm developed to predict the effect of missense changes on protein structure and function outputs the following: PolyPhen-2: "Benign". The threonine amino acid residue is found in multiple mammalian species, which suggests that this missense change does not adversely affect protein function. In summary, the available evidence is currently insufficient to determine the role of this variant in disease. Therefore, it has been classified as a Variant of Uncertain Significance.

CeGaT Center for Human Genetics Tuebingen
Classification: Uncertain significance. Last evaluated: 2024-01-01. Review status: criteria provided, single submitter. Criteria: CeGaT Center For Human Genetics Tuebingen Variant Classification Criteria Version 2. Collection method: clinical testing. Allele origin: germline. Affected: yes. Observed: 1 variant allele.
Comment: MFN2: PM2

Athena Diagnostics
Classification: Uncertain significance. Last evaluated: 2022-03-15. Review status: criteria provided, single submitter. Criteria: Athena Diagnostics Criteria. Collection method: clinical testing. Allele origin: unknown.

Ambry Genetics
Classification: Uncertain significance for Inborn genetic diseases. Last evaluated: 2022-02-02. Review status: criteria provided, single submitter. Criteria: Ambry Variant Classification Scheme 2023. Collection method: clinical testing. Allele origin: germline.
Comment: The p.A54T variant (also known as c.160G>A), located in coding exon 1 of the MFN2 gene, results from a G to A substitution at nucleotide position 160. The alanine at codon 54 is replaced by threonine, an amino acid with similar properties. This amino acid position is not well conserved in available vertebrate species. In addition, the in silico prediction for this alteration is inconclusive. Since supporting evidence is limited at this time, the clinical significance of this alteration remains unclear.

GeneDx
Classification: Likely benign. Last evaluated: 2021-01-14. Review status: criteria provided, single submitter. Criteria: GeneDx Variant Classification Process June 2021. Collection method: clinical testing. Allele origin: germline. Affected: yes.

ARUP Laboratories, Molecular Genetics and Genomics, ARUP Laboratories
Classification: Uncertain significance. Last evaluated: 2017-11-27. Review status: criteria provided, single submitter. Criteria: ARUP Molecular Germline Variant Investigation Process. Collection method: clinical testing. Allele origin: germline.
Comment: The p.Ala54Thr variant (rs61733203) has not been reported in the medical literature, gene specific variation databases, nor has it been previously identified by our laboratory. This variant is listed in the Genome Aggregation Database (gnomAD) with an overall population frequency of 0.003 percent (identified on 9 out of 277,100 chromosomes) and has been reported to the ClinVar database as variant of uncertain significance (Variation ID: 214657). The alanine at position 54 is moderately conserved considering 11 species (Alamut v2.10) and computational analyses of the effects of the p.Ala54Thr variant on protein structure and function provide conflicting results (SIFT: tolerated, MutationTaster: disease causing, PolyPhen-2:benign). Altogether, there is not enough evidence to classify the p.Ala54Thr variant with certainty.